The following is an entry in ClinVar:

NM_024490.4(ATP10A):c.2303C>T (p.Ala768Val)

Gene: ATP10A (ATPase phospholipid transporting 10A (putative); minus strand). Cytogenetic location: 15q12.
Variant type: single nucleotide variant.
Coding change: c.2303C>T on transcript NM_024490.4 (MANE Select); coding-DNA position 2303, C replaced by T.
Protein change: p.Ala768Val; replaces alanine 768 with valine.
Molecular consequence: missense variant.
Genome position (GRCh38, 1-based): chr15:25,713,715, G>A on the plus strand (C>T on the coding strand, the complement: ATP10A is on the minus strand). VCF-style: chr15-25713715-G-A. GRCh37 (hg19) VCF-style: chr15-25958862-G-A.
Other names: short protein forms A768V.
Identifiers: ClinVar variation 3355037 (VCV003355037.1).

ClinVar aggregate classification (germline): Uncertain significance (0 of 4 stars; one submission).

Conditions:
ATP10A-related disorder. Also called: ATP10A-related condition.

gnomAD v4.1: 1 of 1,614,098 alleles (0.000062%); highest among the groups gnomAD compares: Non-Finnish European, 0.000085%; no homozygotes.

Submission:

PreventionGenetics, part of Exact Sciences
Classification: Uncertain significance for ATP10A-related condition. Last evaluated: 2024-09-12. Review status: no assertion criteria provided. Collection method: clinical testing. Allele origin: germline.
Comment: The ATP10A c.2303C>T variant is predicted to result in the amino acid substitution p.Ala768Val. To our knowledge, this variant has not been reported in the literature or in a large population database, indicating this variant is rare. At this time, the clinical significance of this variant is uncertain due to the absence of conclusive functional and genetic evidence.